The following is an entry in ClinVar:

ClinVar aggregate classification (germline): Uncertain significance (1 of 4 stars; one submission).

Conditions:
Combined immunodeficiency due to LRBA deficiency. Also called: Common variable immunodeficiency 8, with autoimmunity. Identifiers: Orphanet 445018, MedGen C3553512, MONDO:0013863, OMIM 614700.

Allele frequency attached by ClinVar (database versions not stated): gnomAD exomes below 0.00001 and 0.00001; gnomAD 0.00002; TOPMed 0.00002.
gnomAD v4.1: 8 of 1,613,714 alleles (0.0005%); highest among the groups gnomAD compares: Admixed American, 0.0017%; no homozygotes.

Submission:

Labcorp Genetics (formerly Invitae), Labcorp
Classification: Uncertain significance for Combined immunodeficiency due to LRBA deficiency. Last evaluated: 2022-09-13. Review status: criteria provided, single submitter. Criteria: Invitae Variant Classification Sherloc (09022015). Collection method: clinical testing. Allele origin: germline.
Comment: This sequence change replaces lysine, which is basic and polar, with arginine, which is basic and polar, at codon 879 of the LRBA protein (p.Lys879Arg). This variant is present in population databases (no rsID available, gnomAD 0.002%). This variant has not been reported in the literature in individuals affected with LRBA-related conditions. ClinVar contains an entry for this variant (Variation ID: 1419534). Advanced modeling of protein sequence and biophysical properties (such as structural, functional, and spatial information, amino acid conservation, physicochemical variation, residue mobility, and thermodynamic stability) performed at Invitae indicates that this missense variant is not expected to disrupt LRBA protein function. Algorithms developed to predict the effect of sequence changes on RNA splicing suggest that this variant may create or strengthen a splice site. In summary, the available evidence is currently insufficient to determine the role of this variant in disease. Therefore, it has been classified as a Variant of Uncertain Significance.

NM_001364905.1(LRBA):c.2636A>G (p.Lys879Arg)

Gene: LRBA (LPS responsive beige-like anchor protein; minus strand). Cytogenetic location: 4q31.3.
Variant type: single nucleotide variant.
Coding change: c.2636A>G on transcript NM_001364905.1 (MANE Select); coding-DNA position 2636, A replaced by G.
Protein change: p.Lys879Arg; replaces lysine 879 with arginine.
Molecular consequence: missense variant.
Genome position (GRCh38, 1-based): chr4:150,867,801, T>C on the plus strand (A>G on the coding strand, the complement: LRBA is on the minus strand). VCF-style: chr4-150867801-T-C. GRCh37 (hg19) VCF-style: chr4-151788953-T-C.
Other names: c.2636A>G, p.Lys879Arg (NM_006726.5, NM_001199282.3, NM_001367550.1); short protein forms K879R.
Identifiers: ClinVar variation 1419534 (VCV001419534.5), dbSNP rs906755821, ClinGen allele CA107830773.